The following is an entry in ClinVar:

ClinVar aggregate classification (germline): Uncertain significance (1 of 4 stars; one submission).

gnomAD v4.1: 1 of 1,614,234 alleles (0.000062%); highest among the groups gnomAD compares: Non-Finnish European, 0.000085%; no homozygotes.

Submission:

Ambry Genetics
Classification: Uncertain significance. Last evaluated: 2024-12-07. Review status: criteria provided, single submitter. Criteria: Ambry Variant Classification Scheme 2023. Collection method: clinical testing. Allele origin: germline.
Comment: The p.T795S variant (also known as c.2384C>G), located in coding exon 19 of the A2ML1 gene, results from a C to G substitution at nucleotide position 2384. The threonine at codon 795 is replaced by serine, an amino acid with similar properties. This amino acid position is conserved. In addition, this alteration is predicted to be tolerated by in silico analysis. Based on the available evidence, the clinical significance of this variant remains unclear.

NM_144670.6(A2ML1):c.2384C>G (p.Thr795Ser)

Gene: A2ML1 (alpha-2-macroglobulin like 1; plus strand). Cytogenetic location: 12p13.31.
Variant type: single nucleotide variant.
Coding change: c.2384C>G on transcript NM_144670.6 (MANE Select); coding-DNA position 2384, C replaced by G.
Protein change: p.Thr795Ser; replaces threonine 795 with serine.
Molecular consequence: missense variant.
Genome position (GRCh38, 1-based): chr12:8,851,933, C>G. VCF-style: chr12-8851933-C-G. GRCh37 (hg19) VCF-style: chr12-9004529-C-G.
Other names: c.911C>G, p.Thr304Ser (NM_001282424.3); short protein forms T795S, T304S.
Identifiers: ClinVar variation 3539267 (VCV003539267.1).